The following is an entry in ClinVar:

ClinVar aggregate classification (germline): Conflicting classifications of pathogenicity. Review status: criteria provided, conflicting classifications (1 of 4 stars). 6 submissions from 6 submitters: Uncertain significance (1); Benign (1); Likely benign (3). 1 of the submissions does not count toward it. Last evaluated 2025-11-01.

Conditions:
Autosomal recessive limb-girdle muscular dystrophy type 2Q (LGMDR17). Also called: MUSCULAR DYSTROPHY, LIMB-GIRDLE, AUTOSOMAL RECESSIVE 17. Identifiers: Orphanet 254361, MedGen C3150989, MONDO:0013390, OMIM 613723.
Epidermolysis bullosa simplex with nail dystrophy (EBS5D). Identifiers: MedGen C4225309, MONDO:0014661, OMIM 616487.
Epidermolysis bullosa simplex 5C, with pyloric atresia (EBS5C). Also called: PLEC1-Related Epidermolysis Bullosa with Pyloric Atresia; PLEC-Related Epidermolysis Bullosa with Pyloric Atresia; Epidermolysis bullosa simplex with pyloric atresia. Identifiers: Orphanet 158684, MedGen C2677349, MONDO:0012807, OMIM 612138.
Epidermolysis bullosa simplex, Ogna type (EBS5A). Also called: Pidermolysis bullosa simplex 5A, Ogna type; EPIDERMOLYSIS BULLOSA SIMPLEX 5A, OGNA TYPE. Identifiers: Orphanet 79401, MedGen C0432317, MONDO:0007555, OMIM 131950.
Epidermolysis bullosa simplex 5B, with muscular dystrophy (EBS5B). Also called: Epidermolysis bullosa simplex with muscular dystrophy; EPIDERMOLYSIS BULLOSA SIMPLEX AND LIMB-GIRDLE MUSCULAR DYSTROPHY. Identifiers: Orphanet 257, MedGen C2931072, MONDO:0009181, OMIM 226670.
PLEC-related disorder. Also called: PLEC-related disorders; PLEC-related condition.

Allele frequency attached by ClinVar (database versions not stated): gnomAD exomes 0.00004 and 0.00011; ExAC 0.00010; ESP Exome Variant Server 0.00024; gnomAD 0.00042 and 0.00048; TOPMed 0.00043.
gnomAD v4.1: 126 of 1,612,480 alleles (0.0078%); highest among the groups gnomAD compares: African/African-American, 0.15%; no homozygotes.

Submissions (6):

Labcorp Genetics (formerly Invitae), Labcorp
Classification: Likely benign for Autosomal recessive limb-girdle muscular dystrophy type 2Q; Epidermolysis bullosa simplex, Ogna type; Epidermolysis bullosa simplex with nail dystrophy; Epidermolysis bullosa simplex 5C, with pyloric atresia; Epidermolysis bullosa simplex 5B, with muscular dystrophy. Last evaluated: 2025-11-01. Review status: criteria provided, single submitter. Criteria: Invitae Variant Classification Sherloc (09022015). Collection method: clinical testing. Allele origin: germline.

Women's Health and Genetics/Laboratory Corporation of America, LabCorp
Classification: Likely benign. Last evaluated: 2025-06-18. Review status: criteria provided, single submitter. Criteria: LabCorp Variant Classification Summary - May 2015. Collection method: clinical testing. Allele origin: germline.

Mayo Clinic Laboratories, Mayo Clinic
Classification: Likely benign. Last evaluated: 2025-05-23. Review status: criteria provided, single submitter. Criteria: ACMG Guidelines, 2015. Collection method: clinical testing. Allele origin: germline. Observed: 1 variant allele.
Comment: BS1, BP4, BP7

Athena Diagnostics
Classification: Benign. Last evaluated: 2020-02-17. Review status: criteria provided, single submitter. Criteria: Athena Diagnostics Criteria. Collection method: clinical testing. Allele origin: unknown.

Eurofins Ntd Llc (ga)
Classification: Uncertain significance. Last evaluated: 2017-12-07. Review status: criteria provided, single submitter. Criteria: EGL Classification Definitions 2015. Collection method: clinical testing. Allele origin: germline. Observed: 2 variant alleles, 2 heterozygotes.

PreventionGenetics, part of Exact Sciences
Classification: Likely benign for PLEC-related condition. Last evaluated: 2019-07-19. Review status: no assertion criteria provided. Collection method: clinical testing. Allele origin: germline. Not counted in ClinVar's aggregate classification.
Comment: This variant is classified as likely benign based on ACMG/AMP sequence variant interpretation guidelines (Richards et al. 2015 PMID: 25741868, with internal and published modifications).

NM_201384.3(PLEC):c.963C>T (p.Phe321=)

Gene: PLEC (plectin; minus strand). Cytogenetic location: 8q24.3.
Variant type: single nucleotide variant.
Coding change: c.963C>T on transcript NM_201384.3 (MANE Select); coding-DNA position 963, C replaced by T.
Protein change: p.Phe321=; no amino-acid change (phenylalanine 321 retained).
Molecular consequence: synonymous variant.
Genome position (GRCh38, 1-based): chr8:143,934,713, G>A on the plus strand (C>T on the coding strand, the complement: PLEC is on the minus strand). VCF-style: chr8-143934713-G-A. GRCh37 (hg19) VCF-style: chr8-145008881-G-A.
Other names: p.Phe348=; c.1044C>T, p.Phe348= (NM_000445.5); c.921C>T, p.Phe307= (NM_201378.4); c.897C>T, p.Phe299= (NM_201379.3); c.1374C>T, p.Phe458= (NM_201380.4); c.867C>T, p.Phe289= (NM_201381.3); c.963C>T, p.Phe321= (NM_201382.4); c.975C>T, p.Phe325= (NM_201383.3).
Identifiers: ClinVar variation 290466 (VCV000290466.23), dbSNP rs368425406, ClinGen allele CA4928228.